The following is an entry in ClinVar:

ClinVar aggregate classification (germline): Uncertain significance (1 of 4 stars; one submission).

Conditions:
Hereditary cancer-predisposing syndrome. Also called: Neoplastic Syndromes, Hereditary; Tumor predisposition; Hereditary Cancer Syndrome; Hereditary neoplastic syndrome. Identifiers: Orphanet 140162, MedGen C0027672, MeSH D009386, MONDO:0015356.

Submission:

Ambry Genetics
Classification: Uncertain significance for Hereditary cancer-predisposing syndrome. Last evaluated: 2024-11-14. Review status: criteria provided, single submitter. Criteria: Ambry Variant Classification Scheme 2023. Collection method: clinical testing. Allele origin: germline.
Comment: The p.I638T variant (also known as c.1913T>C), located in coding exon 15 of the POLD1 gene, results from a T to C substitution at nucleotide position 1913. The isoleucine at codon 638 is replaced by threonine, an amino acid with similar properties. This amino acid position is conserved. In addition, the in silico prediction for this alteration is inconclusive. Based on the available evidence, the clinical significance of this variant remains unclear.

NM_002691.4(POLD1):c.1913T>C (p.Ile638Thr)

Gene: POLD1 (DNA polymerase delta 1, catalytic subunit; plus strand). Cytogenetic location: 19q13.33.
Variant type: single nucleotide variant.
Coding change: c.1913T>C on transcript NM_002691.4 (MANE Select); coding-DNA position 1913, T replaced by C.
Protein change: p.Ile638Thr; replaces isoleucine 638 with threonine.
Molecular consequence: missense variant. On other transcripts: non-coding transcript variant (1).
Genome position (GRCh38, 1-based): chr19:50,409,142, T>C. VCF-style: chr19-50409142-T-C. GRCh37 (hg19) VCF-style: chr19-50912399-T-C.
Other names: c.1913T>C, p.Ile638Thr (NM_001256849.1); c.1991T>C, p.Ile664Thr (NM_001308632.1); short protein forms I664T, I638T.
Identifiers: ClinVar variation 3422007 (VCV003422007.1).